The following is an entry in ClinVar:

NM_000439.5(PCSK1):c.255T>C (p.His85=)

Genes: PCSK1 (proprotein convertase subtilisin/kexin type 1; minus strand), CAST (calpastatin; plus strand), LOC101929710 (uncharacterized LOC101929710; plus strand). Cytogenetic location: 5q15.
Variant type: single nucleotide variant.
Coding change: c.255T>C on transcript NM_000439.5 (MANE Select); coding-DNA position 255, T replaced by C.
Protein change: p.His85=; no amino-acid change (histidine 85 retained).
Molecular consequence: synonymous variant. On other transcripts: intron variant (11).
Genome position (GRCh38, 1-based): chr5:96,429,243, A>G on the plus strand (T>C on the coding strand, the complement: PCSK1 is on the minus strand). VCF-style: chr5-96429243-A-G. GRCh37 (hg19) VCF-style: chr5-95764947-A-G.
Other names: c.114T>C, p.His38= (NM_001177875.2); c.-175+49591A>G (NM_001423254.1, NM_001423259.1, NM_001423255.1 and 6 more transcripts); c.-103+49591A>G (NM_001423253.1); c.-40+49591A>G (NM_001423258.1).
Identifiers: ClinVar variation 3348147 (VCV003348147.1).
Genomic context (GRCh38, chr5:96,429,243, plus strand): 5'-TTGGTTTGAAGACAAATGTACAACACTTACACGATCATCATCAGATAATCTCTTAGTGAT[A>G]TGAAAGGCACTCCTTCGAGACCTTCTGGGGTGGTTTTTATGTTTGAATAAGTAGTGATTT-3'
Protein context (NP_000430.3, residues 75-95): HPRRSRRSAF[His85=]ITKRLSDDDR

ClinVar aggregate classification (germline): Likely benign (0 of 4 stars; one submission).

Conditions:
PCSK1-related disorder. Also called: PCSK1-related condition.

gnomAD v4.1: 2 of 1,594,476 alleles (0.00013%); highest among the groups gnomAD compares: African/African-American, 0.0027%; no homozygotes.

Submission:

PreventionGenetics, part of Exact Sciences
Classification: Likely benign for PCSK1-related condition. Last evaluated: 2024-03-06. Review status: no assertion criteria provided. Collection method: clinical testing. Allele origin: germline.
Comment: This variant is classified as likely benign based on ACMG/AMP sequence variant interpretation guidelines (Richards et al. 2015 PMID: 25741868, with internal and published modifications).